The following is an entry in ClinVar:

NM_002087.4(GRN):c.384_387del (p.Gln130fs)

Gene: GRN (granulin precursor; plus strand). Cytogenetic location: 17q21.31.
Variant type: Deletion.
Coding change: c.384_387del on transcript NM_002087.4 (MANE Select); coding-DNA positions 384 to 387, 4 bases deleted (TAGT; older notation c.384_387delTAGT).
Protein change: p.Gln130fs; shifts the reading frame from glutamine 130.
Molecular consequence: frameshift variant.
Genome position (GRCh38, 1-based): chr17:44,350,262-44,350,265, TAGT deleted. VCF-style (leftmost placement, unchanged base first): chr17-44350261-ATAGT-A. GRCh37 (hg19) VCF-style: chr17-42427629-ATAGT-A.
Other names: c.384_387del (NM_002087.2); short protein forms Q130fs.
Identifiers: ClinVar variation 98138 (VCV000098138.2), dbSNP rs63750768, ClinGen allele CA225244.

ClinVar aggregate classification (germline): Pathogenic. Review status: criteria provided, single submitter (1 of 4 stars). 2 submissions from 2 submitters: Pathogenic (1). 1 of the submissions does not count toward it. Last evaluated 2023-04-05.

Submissions (2):

GeneDx
Classification: Pathogenic. Last evaluated: 2023-04-05. Review status: criteria provided, single submitter. Criteria: GeneDx Variant Classification Process June 2021. Collection method: clinical testing. Allele origin: germline. Affected: yes.
Comment: Previously reported in association with frontotemporal dementia (Chen-Plotkin et al., 2011; Le Ber et al., 2007); Frameshift variant predicted to result in protein truncation or nonsense mediated decay in a gene for which loss of function is a known mechanism of disease; Not observed at significant frequency in large population cohorts (gnomAD); This variant is associated with the following publications: (PMID: 24367280, 27776828, 25174650, 21482928, 17436289)

VIB  Department of Molecular Genetics, University of Antwerp
No classification provided. Review status: no classification provided. Collection method: not provided. Allele origin: not provided. Not counted in ClinVar's aggregate classification.